The following is an entry in ClinVar:

ClinVar aggregate classification (germline): Uncertain significance. Review status: criteria provided, multiple submitters, no conflicts (2 of 4 stars). 2 submissions from 2 submitters: Uncertain significance (2). Last evaluated 2023-07-04.

Conditions:
Hereditary cancer-predisposing syndrome. Also called: Hereditary neoplastic syndrome; Neoplastic Syndromes, Hereditary; Hereditary Cancer Syndrome; Tumor predisposition. Identifiers: Orphanet 140162, MedGen C0027672, MeSH D009386, MONDO:0015356.
Renal cell carcinoma. Identifiers: Orphanet 217071, MedGen C0007134, MeSH D002292, MONDO:0005086, HP:0005584.

Allele frequency attached by ClinVar (database versions not stated): gnomAD exomes below 0.00001.
gnomAD v4.1: 3 of 1,605,956 alleles (0.00019%); highest among the groups gnomAD compares: Non-Finnish European, 0.00026%; no homozygotes.

Submissions (2):

Ambry Genetics
Classification: Uncertain significance for Hereditary cancer-predisposing syndrome. Last evaluated: 2023-07-04. Review status: criteria provided, single submitter. Criteria: Ambry Variant Classification Scheme 2023. Collection method: clinical testing. Allele origin: germline.
Comment: The p.N1193S variant (also known as c.3578A>G), located in coding exon 17 of the MET gene, results from an A to G substitution at nucleotide position 3578. The asparagine at codon 1193 is replaced by serine, an amino acid with highly similar properties. This amino acid position is conserved. In addition, this alteration is predicted to be tolerated by in silico analysis. Since supporting evidence is limited at this time, the clinical significance of this alteration remains unclear.

Labcorp Genetics (formerly Invitae), Labcorp
Classification: Uncertain significance for Renal cell carcinoma. Last evaluated: 2022-09-13. Review status: criteria provided, single submitter. Criteria: Invitae Variant Classification Sherloc (09022015). Collection method: clinical testing. Allele origin: germline.
Comment: In summary, the available evidence is currently insufficient to determine the role of this variant in disease. Therefore, it has been classified as a Variant of Uncertain Significance. Algorithms developed to predict the effect of missense changes on protein structure and function output the following: SIFT: "Tolerated"; PolyPhen-2: "Benign"; Align-GVGD: "Class C0". The serine amino acid residue is found in multiple mammalian species, which suggests that this missense change does not adversely affect protein function. This variant has not been reported in the literature in individuals affected with MET-related conditions. This variant is not present in population databases (gnomAD no frequency). This sequence change replaces asparagine, which is neutral and polar, with serine, which is neutral and polar, at codon 1193 of the MET protein (p.Asn1193Ser).

NM_000245.4(MET):c.3524A>G (p.Asn1175Ser)

Gene: MET (MET proto-oncogene, receptor tyrosine kinase; plus strand). Cytogenetic location: 7q31.2.
Variant type: single nucleotide variant.
Coding change: c.3524A>G on transcript NM_000245.4 (MANE Select); coding-DNA position 3524, A replaced by G.
Protein change: p.Asn1175Ser; replaces asparagine 1175 with serine.
Molecular consequence: missense variant.
Genome position (GRCh38, 1-based): chr7:116,781,989, A>G. VCF-style: chr7-116781989-A-G. GRCh37 (hg19) VCF-style: chr7-116422043-A-G.
Other names: c.3578A>G, p.Asn1193Ser (NM_001127500.3); c.2234A>G, p.Asn745Ser (NM_001324402.2); short protein forms N1175S, N1193S, N745S.
Identifiers: ClinVar variation 1717107 (VCV001717107.7), dbSNP rs1554400071, ClinGen allele CA368990880.
Genomic context (GRCh38, chr7:116,781,989, plus strand): 5'-GGTCAAAATTAGAACAGTAGATGCTTAGTTTATGCTTTTCTAACTCTCTTTGACTGCAGA[A>G]TCCAACTGTAAAAGATCTTATTGGCTTTGGTCTTCAAGTAGCCAAAGGCATGAAATATCT-3'
Protein context (NP_000236.2, residues 1165-1185): LRNFIRNETH[Asn1175Ser]PTVKDLIGFG